The following is an entry in ClinVar:

NM_017849.4(TMEM127):c.291del (p.Ala98fs)

Gene: TMEM127 (transmembrane protein 127; minus strand). Cytogenetic location: 2q11.2.
Variant type: Deletion.
Coding change: c.291del on transcript NM_017849.4 (MANE Select); coding-DNA position 291, one base deleted (C; older notation c.291delC).
Protein change: p.Ala98fs; shifts the reading frame from alanine 98.
Molecular consequence: frameshift variant.
Genome position (GRCh38, 1-based): chr2:96,254,951, G deleted on the plus strand (C on the coding strand, the reverse complement: TMEM127 is on the minus strand); the first of 2 consecutive G bases (chr2:96,254,951-96,254,952); deleting either gives the same sequence. VCF-style (leftmost placement, unchanged base first): chr2-96254950-CG-C. GRCh37 (hg19) VCF-style: chr2-96920688-CG-C.
Other names: c.291del, p.Ala98fs (NM_001193304.3); c.291delC (NM_017849.3); short protein forms A98fs.
Identifiers: ClinVar variation 1446027 (VCV001446027.7), dbSNP rs2104287651, ClinGen allele CA2573135956.

ClinVar aggregate classification (germline): Pathogenic. Review status: criteria provided, multiple submitters, no conflicts (2 of 4 stars). 2 submissions from 2 submitters: Pathogenic (2). Last evaluated 2025-04-11.

Conditions:
Hereditary cancer-predisposing syndrome. Also called: Tumor predisposition; Hereditary Cancer Syndrome; Hereditary neoplastic syndrome; Neoplastic Syndromes, Hereditary. Identifiers: Orphanet 140162, MedGen C0027672, MeSH D009386, MONDO:0015356.
Hereditary pheochromocytoma and paraganglioma. Also called: Hereditary paragangliomas and pheochromocytomas; Hereditary Paraganglioma-Pheochromocytoma Syndromes; Hereditary pheochromocytoma-paraganglioma. Identifiers: Orphanet 29072, MedGen C4274332, MONDO:0017366.

Submissions (2):

Ambry Genetics
Classification: Pathogenic for Hereditary cancer-predisposing syndrome. Last evaluated: 2025-04-11. Review status: criteria provided, single submitter. Criteria: Ambry Variant Classification Scheme 2023. Collection method: clinical testing. Allele origin: germline.
Comment: The c.291delC pathogenic mutation, located in coding exon 2 of the TMEM127 gene, results from a deletion of one nucleotide at nucleotide position 291, causing a translational frameshift with a predicted alternate stop codon (p.A98Pfs*26). This alteration occurs at the 3' terminus of theTMEM127 gene, is not expected to trigger nonsense-mediated mRNA decay, and impacts the last 59% of the protein. However, premature stop codons are typically deleterious in nature, the impacted region is critical for protein function, and a significant portion of the protein is affected (Ambry internal data). This variant is considered to be rare based on population cohorts in the Genome Aggregation Database (gnomAD). Based on the supporting evidence, this variant is interpreted as a disease-causing mutation.

Labcorp Genetics (formerly Invitae), Labcorp
Classification: Pathogenic for Hereditary pheochromocytoma and paraganglioma. Last evaluated: 2023-06-09. Review status: criteria provided, single submitter. Criteria: Invitae Variant Classification Sherloc (09022015). Collection method: clinical testing. Allele origin: germline.
Comment: This variant is not present in population databases (gnomAD no frequency). This sequence change creates a premature translational stop signal (p.Ala98Profs*26) in the TMEM127 gene. While this is not anticipated to result in nonsense mediated decay, it is expected to disrupt the last 141 amino acid(s) of the TMEM127 protein. This variant has not been reported in the literature in individuals affected with TMEM127-related conditions. For these reasons, this variant has been classified as Pathogenic. This variant disrupts a region of the TMEM127 protein in which other variant(s) (p.Gln157*) have been determined to be pathogenic (PMID: 22419703; Invitae). This suggests that this is a clinically significant region of the protein, and that variants that disrupt it are likely to be disease-causing. ClinVar contains an entry for this variant (Variation ID: 1446027).

Literature cited by the submitters: PubMed 22419703 (cited by Labcorp Genetics (formerly Invitae), Labcorp).